The following is an entry in ClinVar:

ClinVar aggregate classification (germline): Uncertain significance (1 of 4 stars; one submission).

gnomAD v4.1: 4 of 1,613,504 alleles (0.00025%); highest among the groups gnomAD compares: Admixed American, 0.0017%; no homozygotes.

Submission:

Labcorp Genetics (formerly Invitae), Labcorp
Classification: Uncertain significance. Last evaluated: 2024-10-16. Review status: criteria provided, single submitter. Criteria: Invitae Variant Classification Sherloc (09022015). Collection method: clinical testing. Allele origin: germline.
Comment: This sequence change replaces asparagine, which is neutral and polar, with serine, which is neutral and polar, at codon 376 of the NACC1 protein (p.Asn376Ser). This variant is present in population databases (rs749960513, gnomAD 0.003%). This variant has not been reported in the literature in individuals affected with NACC1-related conditions. Invitae Evidence Modeling of protein sequence and biophysical properties (such as structural, functional, and spatial information, amino acid conservation, physicochemical variation, residue mobility, and thermodynamic stability) indicates that this missense variant is not expected to disrupt NACC1 protein function with a negative predictive value of 80%. In summary, the available evidence is currently insufficient to determine the role of this variant in disease. Therefore, it has been classified as a Variant of Uncertain Significance.

NM_052876.4(NACC1):c.1127A>G (p.Asn376Ser)

Gene: NACC1 (nucleus accumbens associated 1; plus strand). Cytogenetic location: 19p13.13.
Variant type: single nucleotide variant.
Coding change: c.1127A>G on transcript NM_052876.4 (MANE Select); coding-DNA position 1127, A replaced by G.
Protein change: p.Asn376Ser; replaces asparagine 376 with serine.
Molecular consequence: missense variant.
Genome position (GRCh38, 1-based): chr19:13,137,277, A>G. VCF-style: chr19-13137277-A-G. GRCh37 (hg19) VCF-style: chr19-13248091-A-G.
Other names: short protein forms N376S.
Identifiers: ClinVar variation 3611230 (VCV003611230.2).
Genomic context (GRCh38, chr19:13,137,277, plus strand): 5'-GGGCTGTGGCGGTTTGGGGGCACCCCAGGCCATCCTCCGGCTTCCTCTCACCAGGCACCA[A>G]CGTGTACATCACAAGGGCGCAGCTGATGAACTGCCACGTCAGCGCAGGCACGCGGCACAA-3'
Protein context (NP_443108.1, residues 366-386): SEKLELVTGT[Asn376Ser]VYITRAQLMN